The following is an entry in ClinVar:

ClinVar aggregate classification (germline): Likely pathogenic (1 of 4 stars; one submission).

Conditions:
Early-infantile DEE. Also called: Early infantile epileptic encephalopathy with suppression bursts; Early infantile epileptic encephalopathy; Ohtahara syndrome. Identifiers: Orphanet 1934, MedGen C0393706, MONDO:0800491.

Submission:

Labcorp Genetics (formerly Invitae), Labcorp
Classification: Likely pathogenic for Early-infantile DEE. Last evaluated: 2023-11-02. Review status: criteria provided, single submitter. Criteria: Invitae Variant Classification Sherloc (09022015). Collection method: clinical testing. Allele origin: germline.
Comment: This sequence change replaces glycine, which is neutral and non-polar, with alanine, which is neutral and non-polar, at codon 343 of the SCN1A protein (p.Gly343Ala). This variant also falls at the last nucleotide of exon 7, which is part of the consensus splice site for this exon. This variant is not present in population databases (gnomAD no frequency). This missense change has been observed in individual(s) with clinical features of developmental and epileptic encephalopathy (PMID: 31440721; Invitae). ClinVar contains an entry for this variant (Variation ID: 648913). An algorithm developed to predict the effect of missense changes on protein structure and function (PolyPhen-2) suggests that this variant is likely to be disruptive. Variants that disrupt the consensus splice site are a relatively common cause of aberrant splicing (PMID: 17576681, 9536098). This variant disrupts the p.Gly343 amino acid residue in SCN1A. Other variant(s) that disrupt this residue have been determined to be pathogenic (PMID: 28012175). This suggests that this residue is clinically significant, and that variants that disrupt this residue are likely to be disease-causing. In summary, the currently available evidence indicates that the variant is pathogenic, but additional data are needed to prove that conclusively. Therefore, this variant has been classified as Likely Pathogenic.

Literature cited by the submitters: PubMed 31440721; PubMed 17576681; PubMed 9536098; PubMed 28012175.

NM_001165963.4(SCN1A):c.1028G>C (p.Gly343Ala)

Gene: SCN1A (sodium voltage-gated channel alpha subunit 1; minus strand). Cytogenetic location: 2q24.3.
Variant type: single nucleotide variant.
Coding change: c.1028G>C on transcript NM_001165963.4 (MANE Select); coding-DNA position 1028, G replaced by C.
Protein change: p.Gly343Ala; replaces glycine 343 with alanine.
Molecular consequence: missense variant. On other transcripts: 5 prime UTR variant (1), non-coding transcript variant (1).
Genome position (GRCh38, 1-based): chr2:166,048,886, C>G on the plus strand (G>C on the coding strand, the complement: SCN1A is on the minus strand). VCF-style: chr2-166048886-C-G. GRCh37 (hg19) VCF-style: chr2-166905396-C-G.
Other names: c.1028G>C, p.Gly343Ala (NM_001165964.3, NM_001202435.3, NM_001353948.2 and 10 more transcripts); c.-1398G>C (NM_001353961.2); short protein forms G343A.
Identifiers: ClinVar variation 648913 (VCV000648913.9), dbSNP rs121918753, ClinGen allele CA349071538.